The following is an entry in ClinVar:

ClinVar aggregate classification (germline): Likely pathogenic (1 of 4 stars; one submission).

Conditions:
Mucopolysaccharidosis, MPS-II (MPS2). Also called: Hunter Syndrome; IDURONATE 2-SULFATASE DEFICIENCY; Mucopolysaccharidosis Type II; Mucopolysaccharidosis type 2; Attenuated MPS (subtype; formerly known as mild MPS II); Severe MPS II. Identifiers: Orphanet 580, Orphanet 79388, MedGen C0026705, MONDO:0010674, OMIM 309900.

Submission:

Laboratory of Diagnosis and Therapy of Lysosomal Disorders, University of Padova
Classification: Likely pathogenic for Mucopolysaccharidosis, MPS-II. Last evaluated: 2024-06-07. Review status: criteria provided, single submitter. Criteria: ACMG Guidelines, 2015. Collection method: literature only. Allele origin: germline. Affected: yes. Observed: 1 variant allele.
Comment: Null variant (PVS1_Strong), Absent from controls (or at low frequency) in gnomAD database (PM2_Moderate), Patient’s phenotype or family history highly specific for the disease (PP4_Moderate)

Classification method: ACMG Guidelines [PMID:25741868] with modifications

Literature cited by the submitters: PubMed 27883178.

NM_000202.8(IDS):c.1234_1460del (p.Gly412fs)

Gene: IDS (iduronate 2-sulfatase; minus strand). Cytogenetic location: Xq28.
Variant type: Deletion.
Coding change: c.1234_1460del on transcript NM_000202.8 (MANE Select); coding-DNA positions 1234 to 1460, 227 bases deleted.
Protein change: p.Gly412fs; shifts the reading frame from glycine 412.
Molecular consequence: frameshift variant.
Genome position (GRCh38, 1-based): chrX:149,482,939-149,483,165, 227 bases deleted. GRCh37 (hg19): chrX:148,564,471-148,564,697.
Other names: c.964_1190del, p.Gly322fs (NM_001166550.4); short protein forms G322fs, G412fs.
Identifiers: ClinVar variation 3256001 (VCV003256001.2).